The following is an entry in ClinVar:

NM_004385.5(VCAN):c.1652C>T (p.Thr551Ile)

Gene: VCAN (versican; plus strand). Cytogenetic location: 5q14.3.
Variant type: single nucleotide variant.
Coding change: c.1652C>T on transcript NM_004385.5 (MANE Select); coding-DNA position 1652, C replaced by T.
Protein change: p.Thr551Ile; replaces threonine 551 with isoleucine.
Molecular consequence: missense variant. On other transcripts: intron variant (2).
Genome position (GRCh38, 1-based): chr5:83,519,958, C>T. VCF-style: chr5-83519958-C-T. GRCh37 (hg19) VCF-style: chr5-82815777-C-T.
Other names: c.1652C>T, p.Thr551Ile (NM_001164098.2); c.1042+7562C>T (NM_001164097.2, NM_001126336.3); short protein forms T551I.
Identifiers: ClinVar variation 3695380 (VCV003695380.3).
Genomic context (GRCh38, chr5:83,519,958, plus strand): 5'-CTGAAAAGAAAATGGTAAGCACTGTTTCTGAATTGGTAACCACAGGTCACTATGGATTCA[C>T]CTTGGGAGAAGAGGATGATGAAGACAGAACACTTACAGTTGGATCTGATGAGAGCACCTT-3'
Protein context (NP_004376.2, residues 541-561): ELVTTGHYGF[Thr551Ile]LGEEDDEDRT

ClinVar aggregate classification (germline): Uncertain significance. Review status: criteria provided, multiple submitters, no conflicts (2 of 4 stars). 2 submissions from 2 submitters: Uncertain significance (2). Last evaluated 2024-05-06.

gnomAD v4.1: 1 of 1,614,062 alleles (0.000062%); no homozygotes.

Submissions (2):

Labcorp Genetics (formerly Invitae), Labcorp
Classification: Uncertain significance. Last evaluated: 2024-05-06. Review status: criteria provided, single submitter. Criteria: Invitae Variant Classification Sherloc (09022015). Collection method: clinical testing. Allele origin: germline.
Comment: This sequence change replaces threonine, which is neutral and polar, with isoleucine, which is neutral and non-polar, at codon 551 of the VCAN protein (p.Thr551Ile). This variant is present in population databases (no rsID available, gnomAD 0.004%). This variant has not been reported in the literature in individuals affected with VCAN-related conditions. An algorithm developed to predict the effect of missense changes on protein structure and function (PolyPhen-2) suggests that this variant is likely to be disruptive. In summary, the available evidence is currently insufficient to determine the role of this variant in disease. Therefore, it has been classified as a Variant of Uncertain Significance.

Blueprint Genetics
Classification: Uncertain significance. Last evaluated: 2024-02-21. Review status: criteria provided, single submitter. Criteria: ACMG Guidelines, 2015. Collection method: clinical testing. Allele origin: germline.